The following is an entry in ClinVar:

ClinVar aggregate classification (germline): Uncertain significance (1 of 4 stars; one submission).

Allele frequency attached by ClinVar (database versions not stated): gnomAD exomes 0.00001.

Submission:

Ambry Genetics
Classification: Uncertain significance. Last evaluated: 2023-07-11. Review status: criteria provided, single submitter. Criteria: Ambry Variant Classification Scheme 2023. Collection method: clinical testing. Allele origin: germline.
Comment: The p.D744G variant (also known as c.2231A>G), located in coding exon 19 of the BUB1 gene, results from an A to G substitution at nucleotide position 2231. The aspartic acid at codon 744 is replaced by glycine, an amino acid with similar properties. This amino acid position is conserved. In addition, this alteration is predicted to be tolerated by in silico analysis. Since supporting evidence is limited at this time, the clinical significance of this alteration remains unclear.

NM_004336.5(BUB1):c.2231A>G (p.Asp744Gly)

Gene: BUB1 (BUB1 mitotic checkpoint serine/threonine kinase; minus strand). Cytogenetic location: 2q13.
Variant type: single nucleotide variant.
Coding change: c.2231A>G on transcript NM_004336.5 (MANE Select); coding-DNA position 2231, A replaced by G.
Protein change: p.Asp744Gly; replaces aspartic acid 744 with glycine.
Molecular consequence: missense variant.
Genome position (GRCh38, 1-based): chr2:110,649,350, T>C on the plus strand (A>G on the coding strand, the complement: BUB1 is on the minus strand). VCF-style: chr2-110649350-T-C. GRCh37 (hg19) VCF-style: chr2-111406927-T-C.
Other names: c.2171A>G, p.Asp724Gly (NM_001278616.2); c.2231A>G, p.Asp744Gly (NM_001278617.2); short protein forms D724G, D744G.
Identifiers: ClinVar variation 1788113 (VCV001788113.3), dbSNP rs2467987481, ClinGen allele CA348209607.
Genomic context (GRCh38, chr2:110,649,350, plus strand): 5'-GTATTTGGATAGGAACTCACTGGTTTAGAAAGCCCAGATAAAAGTTTGAAAATCAGCTTA[T>C]CATCCCATGGGTTCCCAACAATGAAGTCTTAAAGGAATGAGAAAAAAAAAAAAAAAGGGA-3'
Protein context (NP_004327.1, residues 734-754): PNFIVGNPWD[Asp744Gly]KLIFKLLSGL